The following is an entry in ClinVar:

NM_015202.5(KATNIP):c.1043A>G (p.Gln348Arg)

Gene: KATNIP (katanin interacting protein; plus strand). Cytogenetic location: 16p12.1.
Variant type: single nucleotide variant.
Coding change: c.1043A>G on transcript NM_015202.5 (MANE Select); coding-DNA position 1043, A replaced by G.
Protein change: p.Gln348Arg; replaces glutamine 348 with arginine.
Molecular consequence: missense variant.
Genome position (GRCh38, 1-based): chr16:27,698,430, A>G. VCF-style: chr16-27698430-A-G. GRCh37 (hg19) VCF-style: chr16-27709751-A-G.
Other names: short protein forms Q348R.
Identifiers: ClinVar variation 2104183 (VCV002104183.4), dbSNP rs2544827724, ClinGen allele CA395310744.

ClinVar aggregate classification (germline): Uncertain significance (1 of 4 stars; one submission).

Allele frequency attached by ClinVar (database versions not stated): gnomAD exomes below 0.00001.
gnomAD v4.1: 1 of 1,613,666 alleles (0.000062%); highest among the groups gnomAD compares: East Asian, 0.0022%; no homozygotes.

Submission:

Labcorp Genetics (formerly Invitae), Labcorp
Classification: Uncertain significance. Last evaluated: 2022-11-15. Review status: criteria provided, single submitter. Criteria: Invitae Variant Classification Sherloc (09022015). Collection method: clinical testing. Allele origin: germline.
Comment: In summary, the available evidence is currently insufficient to determine the role of this variant in disease. Therefore, it has been classified as a Variant of Uncertain Significance. This sequence change replaces glutamine, which is neutral and polar, with arginine, which is basic and polar, at codon 348 of the KIAA0556 protein (p.Gln348Arg). This variant is not present in population databases (gnomAD no frequency). This variant has not been reported in the literature in individuals affected with KIAA0556-related conditions. Algorithms developed to predict the effect of missense changes on protein structure and function (SIFT, PolyPhen-2, Align-GVGD) all suggest that this variant is likely to be tolerated.